The following is an entry in ClinVar:

NM_001194998.2(CEP152):c.2149del (p.Ser717fs)

Gene: CEP152 (centrosomal protein 152; minus strand). Cytogenetic location: 15q21.1.
Variant type: Deletion.
Coding change: c.2149del on transcript NM_001194998.2 (MANE Select); coding-DNA position 2149, one base deleted (T; older notation c.2149delT).
Protein change: p.Ser717fs; shifts the reading frame from serine 717.
Molecular consequence: frameshift variant.
Genome position (GRCh38, 1-based): chr15:48,767,191, A deleted on the plus strand (T on the coding strand, the reverse complement: CEP152 is on the minus strand). VCF-style (leftmost placement, unchanged base first): chr15-48767190-GA-G. GRCh37 (hg19) VCF-style: chr15-49059387-GA-G.
Other names: c.2149del, p.Ser717fs (NM_014985.4); short protein forms S717fs.
Identifiers: ClinVar variation 3721730 (VCV003721730.2).

ClinVar aggregate classification (germline): Pathogenic (1 of 4 stars; one submission).

Submission:

Labcorp Genetics (formerly Invitae), Labcorp
Classification: Pathogenic. Last evaluated: 2024-09-28. Review status: criteria provided, single submitter. Criteria: Invitae Variant Classification Sherloc (09022015). Collection method: clinical testing. Allele origin: germline.
Comment: This sequence change creates a premature translational stop signal (p.Ser717Leufs*6) in the CEP152 gene. It is expected to result in an absent or disrupted protein product. Loss-of-function variants in CEP152 are known to be pathogenic (PMID: 21131973). This variant is not present in population databases (gnomAD no frequency). This variant has not been reported in the literature in individuals affected with CEP152-related conditions. Algorithms developed to predict the effect of sequence changes on RNA splicing suggest that this variant may create or strengthen a splice site. For these reasons, this variant has been classified as Pathogenic.

Literature cited by the submitters: PubMed 21131973.